The following is an entry in ClinVar:

ClinVar aggregate classification (germline): Benign/Likely benign. Review status: criteria provided, multiple submitters, no conflicts (2 of 4 stars). 2 submissions from 2 submitters: Benign (1); Likely benign (1). Last evaluated 2025-06-12.

Allele frequency attached by ClinVar (database versions not stated): ESP Exome Variant Server 0.00015; TOPMed 0.00015; gnomAD 0.00025; gnomAD exomes 0.00035; ExAC 0.00078; 1000 Genomes Project 30x 0.00203; 1000 Genomes Project 0.00240.
gnomAD v4.1: 558 of 1,613,688 alleles (0.035%); highest among the groups gnomAD compares: South Asian, 0.51%; 8 homozygotes.

Submissions (2):

Labcorp Genetics (formerly Invitae), Labcorp
Classification: Likely benign. Last evaluated: 2025-06-12. Review status: criteria provided, single submitter. Criteria: Invitae Variant Classification Sherloc (09022015). Collection method: clinical testing. Allele origin: germline.

Mayo Clinic Laboratories, Mayo Clinic
Classification: Benign. Last evaluated: 2024-10-31. Review status: criteria provided, single submitter. Criteria: ACMG Guidelines, 2015. Collection method: clinical testing. Allele origin: germline. Observed: 1 variant allele.
Comment: BS1, BS2, BP4

NM_001136191.3(KANK2):c.1675C>T (p.Arg559Trp)

Gene: KANK2 (KN motif and ankyrin repeat domains 2; minus strand). Cytogenetic location: 19p13.2.
Variant type: single nucleotide variant.
Coding change: c.1675C>T on transcript NM_001136191.3 (MANE Select); coding-DNA position 1675, C replaced by T.
Protein change: p.Arg559Trp; replaces arginine 559 with tryptophan.
Molecular consequence: missense variant.
Genome position (GRCh38, 1-based): chr19:11,176,663, G>A on the plus strand (C>T on the coding strand, the complement: KANK2 is on the minus strand). VCF-style: chr19-11176663-G-A. GRCh37 (hg19) VCF-style: chr19-11287339-G-A.
Other names: p.Arg559Trp; c.1675C>T, p.Arg559Trp (NM_001329451.2, NM_001379555.1, NM_001379556.1 and 7 more transcripts); c.1699C>T, p.Arg567Trp (NM_001379548.1, NM_001379549.1, NM_001379550.1 and 5 more transcripts); short protein forms R567W, R559W.
Identifiers: ClinVar variation 2195521 (VCV002195521.5), dbSNP rs138341753, ClinGen allele CA9205571.